The following is an entry in ClinVar:

NM_006922.4(SCN3A):c.2384G>A (p.Gly795Glu)

Gene: SCN3A (sodium voltage-gated channel alpha subunit 3; minus strand). Cytogenetic location: 2q24.3.
Variant type: single nucleotide variant.
Coding change: c.2384G>A on transcript NM_006922.4 (MANE Select); coding-DNA position 2384, G replaced by A.
Protein change: p.Gly795Glu; replaces glycine 795 with glutamic acid.
Molecular consequence: missense variant.
Genome position (GRCh38, 1-based): chr2:165,137,886, C>T on the plus strand (G>A on the coding strand, the complement: SCN3A is on the minus strand). VCF-style: chr2-165137886-C-T. GRCh37 (hg19) VCF-style: chr2-165994396-C-T.
Other names: c.2237G>A, p.Gly746Glu (NM_001081676.2, NM_001081677.2); short protein forms G746E, G795E.
Identifiers: ClinVar variation 1719965 (VCV001719965.5), dbSNP rs2468301374, ClinGen allele CA349044952.

ClinVar aggregate classification (germline): Uncertain significance (1 of 4 stars; one submission).

Submission:

Labcorp Genetics (formerly Invitae), Labcorp
Classification: Uncertain significance. Last evaluated: 2022-10-27. Review status: criteria provided, single submitter. Criteria: Invitae Variant Classification Sherloc (09022015). Collection method: clinical testing. Allele origin: germline.
Comment: This sequence change replaces glycine, which is neutral and non-polar, with glutamic acid, which is acidic and polar, at codon 795 of the SCN3A protein (p.Gly795Glu). This variant is not present in population databases (gnomAD no frequency). This variant has not been reported in the literature in individuals affected with SCN3A-related conditions. Advanced modeling of protein sequence and biophysical properties (such as structural, functional, and spatial information, amino acid conservation, physicochemical variation, residue mobility, and thermodynamic stability) has been performed at Invitae for this missense variant, however the output from this modeling did not meet the statistical confidence thresholds required to predict the impact of this variant on SCN3A protein function. In summary, the available evidence is currently insufficient to determine the role of this variant in disease. Therefore, it has been classified as a Variant of Uncertain Significance.